The following is an entry in ClinVar:

ClinVar aggregate classification (germline): Uncertain significance. Review status: criteria provided, multiple submitters, no conflicts (2 of 4 stars). 2 submissions from 2 submitters: Uncertain significance (2). Last evaluated 2024-01-11.

Conditions:
Hereditary cancer-predisposing syndrome. Also called: Tumor predisposition; Hereditary Cancer Syndrome; Hereditary neoplastic syndrome; Neoplastic Syndromes, Hereditary. Identifiers: Orphanet 140162, MedGen C0027672, MeSH D009386, MONDO:0015356.
POLD1-related polyposis and colorectal cancer syndrome (CRCS10). Also called: Colorectal cancer 10; COLORECTAL CANCER, SUSCEPTIBILITY TO, ON CHROMOSOME 19q; Colorectal cancer, susceptibility to, 10. Identifiers: Orphanet 220460, MedGen C2675481, MONDO:0012953, OMIM 612591.

Submissions (2):

Ambry Genetics
Classification: Uncertain significance for Hereditary cancer-predisposing syndrome. Last evaluated: 2024-01-11. Review status: criteria provided, single submitter. Criteria: Ambry Variant Classification Scheme 2023. Collection method: clinical testing. Allele origin: germline.
Comment: The p.G932V variant (also known as c.2795G>T), located in coding exon 21 of the POLD1 gene, results from a G to T substitution at nucleotide position 2795. The glycine at codon 932 is replaced by valine, an amino acid with dissimilar properties. This amino acid position is conserved. In addition, this alteration is predicted to be tolerated by in silico analysis. Since supporting evidence is limited at this time, the clinical significance of this alteration remains unclear.

Labcorp Genetics (formerly Invitae), Labcorp
Classification: Uncertain significance for POLD1-related polyposis and colorectal cancer syndrome. Last evaluated: 2022-06-18. Review status: criteria provided, single submitter. Criteria: Invitae Variant Classification Sherloc (09022015). Collection method: clinical testing. Allele origin: germline.
Comment: This variant is not present in population databases (gnomAD no frequency). This sequence change replaces glycine, which is neutral and non-polar, with valine, which is neutral and non-polar, at codon 932 of the POLD1 protein (p.Gly932Val). This variant has not been reported in the literature in individuals affected with POLD1-related conditions. In summary, the available evidence is currently insufficient to determine the role of this variant in disease. Therefore, it has been classified as a Variant of Uncertain Significance. Algorithms developed to predict the effect of missense changes on protein structure and function are either unavailable or do not agree on the potential impact of this missense change (SIFT: "Deleterious"; PolyPhen-2: "Probably Damaging"; Align-GVGD: "Class C0"). ClinVar contains an entry for this variant (Variation ID: 846382).

NM_002691.4(POLD1):c.2795G>T (p.Gly932Val)

Gene: POLD1 (DNA polymerase delta 1, catalytic subunit; plus strand). Cytogenetic location: 19q13.33.
Variant type: single nucleotide variant.
Coding change: c.2795G>T on transcript NM_002691.4 (MANE Select); coding-DNA position 2795, G replaced by T.
Protein change: p.Gly932Val; replaces glycine 932 with valine.
Molecular consequence: missense variant.
Genome position (GRCh38, 1-based): chr19:50,415,801, G>T. VCF-style: chr19-50415801-G-T. GRCh37 (hg19) VCF-style: chr19-50919058-G-T.
Other names: c.2795G>T (NM_002691.2); c.2795G>T, p.Gly932Val (NM_001256849.1); c.2873G>T, p.Gly958Val (NM_001308632.1); short protein forms G932V, G958V.
Identifiers: ClinVar variation 846382 (VCV000846382.10), dbSNP rs1568638836, ClinGen allele CA406986054.
Genomic context (GRCh38, chr19:50,415,801, plus strand): 5'-CCGGGAGTGCGCCCAGCCTGGGCGACCGCGTCCCCTACGTGATCATCAGTGCCGCCAAGG[G>T]TGTGGCCGCCTACATGAAGTCGGAGGTCAGGCCCACCTGGCTGCCTGCTCCCGCCCAGCC-3'
Protein context (NP_002682.2, residues 922-942): VPYVIISAAK[Gly932Val]VAAYMKSEDP